The following is an entry in ClinVar:

ClinVar aggregate classification (germline): Likely benign (1 of 4 stars; one submission).

Submission:

CeGaT Center for Human Genetics Tuebingen
Classification: Likely benign. Last evaluated: 2025-10-01. Review status: criteria provided, single submitter. Criteria: CeGaT Center For Human Genetics Tuebingen Variant Classification Criteria Version 2. Collection method: clinical testing. Allele origin: germline. Affected: yes. Observed: 1 variant allele.
Comment: TTN: PM2:Supporting, BP4, BP7

NM_001267550.2(TTN):c.11312-5245A>G

Gene: TTN (titin; minus strand). Cytogenetic location: 2q31.2.
Variant type: single nucleotide variant.
Coding change: c.11312-5245A>G on transcript NM_001267550.2 (MANE Select); 5245 bases into the intron before coding-DNA position 11312, A replaced by G.
Molecular consequence: intron variant. On other transcripts: synonymous variant (1).
Genome position (GRCh38, 1-based): chr2:178,747,166, T>C on the plus strand (A>G on the coding strand, the complement: TTN is on the minus strand). VCF-style: chr2-178747166-T-C. GRCh37 (hg19) VCF-style: chr2-179611893-T-C.
Other names: c.15234A>G, p.Gly5078= (NM_133379.5); c.10223-5245A>G (NM_003319.4); c.10799-5245A>G (NM_133437.4); c.10598-5245A>G (NM_133432.3); c.10360+5958A>G (NM_133378.4); c.10361-5245A>G (NM_001256850.1).
Identifiers: ClinVar variation 4533719 (VCV004533719.6).